The following is an entry in ClinVar:

ClinVar aggregate classification (germline): Uncertain significance. Review status: reviewed by expert panel (3 of 4 stars). 2 submissions from 2 submitters: Uncertain significance (1). 1 of the submissions does not count toward it. Last evaluated 2025-11-06.

Conditions:
Glanzmann thrombasthenia. Also called: BLEEDING DISORDER, PLATELET-TYPE, 2; THROMBASTHENIA OF GLANZMANN AND NAEGELI; PLATELET GLYCOPROTEIN IIb-IIIa DEFICIENCY; Thrombasthenia; Glanzmann's thrombasthenia. Identifiers: Orphanet 849, MedGen C0040015, MONDO:0100326.

Allele frequency attached by ClinVar (database versions not stated): TOPMed below 0.00001; gnomAD 0.00001.
gnomAD v4.1: 6 of 1,613,896 alleles (0.00037%); highest among the groups gnomAD compares: Non-Finnish European, 0.00051%; no homozygotes.

Submissions (2):

ClinGen Platelet Disorders Variant Curation Expert Panel, ClinGen
Classification: Uncertain significance for Glanzmann thrombasthenia. Last evaluated: 2025-11-06. Review status: reviewed by expert panel. Criteria: ClinGen Platelet ACMG Specifications v2-1. Collection method: curation. Allele origin: germline. Inheritance: Autosomal recessive inheritance.
Comment: The variant NM_000212.3(ITGB3):c.1157G>A is a missense variant predicted to cause substitution of Arginine by Histidine at amino acid 386. This variant has not been found in any individuals with Glanzmann thrombasthenia after a thorough literature search. This variant is found in the European (non-Finnish) population at a rate of 0.00000508 (6/1179952) in gnomADv4.1, which is lower than the ClinGen PD VCEP threshold (<0.0001; PM2_Supporting). The computational predictor REVEL gives a score of 0.25, which predicts no damaging effect on ITGB3 function. This variant was identified by Illumina and found in a screen of an ostensibly healthy population. In summary, this variant meets the criteria to be classified as Uncertain significance - insufficient evidence for autosomal recessive inheritance of Glanzmann thrombasthenia based on the ACMG/AMP criteria applied, as specified by the ClinGen PD VCEP: PM2_Supporting and BP4 (VCEP specifications version 2.1).

Illumina Laboratory Services, Illumina
Classification: Uncertain significance for Glanzmann thrombasthenia 1. Last evaluated: 2018-04-20. Review status: criteria provided, single submitter. Criteria: ICSL Variant Classification Criteria 13 December 2019. Collection method: clinical testing. Allele origin: germline. Not counted in ClinVar's aggregate classification.

NM_000212.3(ITGB3):c.1157G>A (p.Arg386His)

Gene: ITGB3 (integrin subunit beta 3; plus strand). Cytogenetic location: 17q21.32.
Variant type: single nucleotide variant.
Coding change: c.1157G>A on transcript NM_000212.3 (MANE Select); coding-DNA position 1157, G replaced by A.
Protein change: p.Arg386His; replaces arginine 386 with histidine.
Molecular consequence: missense variant.
Genome position (GRCh38, 1-based): chr17:47,290,985, G>A. VCF-style: chr17-47290985-G-A. GRCh37 (hg19) VCF-style: chr17-45368351-G-A.
Other names: NM_000212.3(ITGB3):c.1157G>A; p.Arg386His; short protein forms R386H.
Identifiers: ClinVar variation 890710 (VCV000890710.7), dbSNP rs1231109822, ClinGen allele CA400027662.